The following is an entry in ClinVar:

NM_006269.2(RP1):c.4178T>C (p.Val1393Ala)

Gene: RP1 (RP1 axonemal microtubule associated; plus strand). Cytogenetic location: 8q12.1.
Variant type: single nucleotide variant.
Coding change: c.4178T>C on transcript NM_006269.2 (MANE Select); coding-DNA position 4178, T replaced by C.
Protein change: p.Val1393Ala; replaces valine 1393 with alanine.
Molecular consequence: missense variant. On other transcripts: intron variant (1).
Genome position (GRCh38, 1-based): chr8:54,628,060, T>C. VCF-style: chr8-54628060-T-C. GRCh37 (hg19) VCF-style: chr8-55540620-T-C.
Other names: c.787+5772T>C (NM_001375654.1); short protein forms V1393A.
Identifiers: ClinVar variation 858072 (VCV000858072.9), dbSNP rs747840454, ClinGen allele CA4751813.
Genomic context (GRCh38, chr8:54,628,060, plus strand): 5'-ATATTTTGACAGACCCTGAATATAAAAATGGATTTAATACATTGGTGTCACATCAAAATG[T>C]CAGTAATTTAAGCTCCTGTGGCCTTTGCCTAAGTGAAAAAGAAGCAGAACTTGATAAGAA-3'
Protein context (NP_006260.1, residues 1383-1403): GFNTLVSHQN[Val1393Ala]SNLSSCGLCL

ClinVar aggregate classification (germline): Uncertain significance (1 of 4 stars; one submission).

Allele frequency attached by ClinVar (database versions not stated): gnomAD exomes below 0.00001; ExAC 0.00001.
gnomAD v4.1: 1 of 1,614,052 alleles (0.000062%); highest among the groups gnomAD compares: Non-Finnish European, 0.000085%; no homozygotes.

Submission:

Labcorp Genetics (formerly Invitae), Labcorp
Classification: Uncertain significance. Last evaluated: 2023-08-04. Review status: criteria provided, single submitter. Criteria: Invitae Variant Classification Sherloc (09022015). Collection method: clinical testing. Allele origin: germline.
Comment: This sequence change replaces valine, which is neutral and non-polar, with alanine, which is neutral and non-polar, at codon 1393 of the RP1 protein (p.Val1393Ala). This variant is present in population databases (rs747840454, gnomAD 0.0009%). This variant has not been reported in the literature in individuals affected with RP1-related conditions. ClinVar contains an entry for this variant (Variation ID: 858072). An algorithm developed to predict the effect of missense changes on protein structure and function (PolyPhen-2) suggests that this variant is likely to be tolerated. In summary, the available evidence is currently insufficient to determine the role of this variant in disease. Therefore, it has been classified as a Variant of Uncertain Significance.